The following is an entry in ClinVar:

NM_004364.5(CEBPA):c.1000G>A (p.Glu334Lys)

Gene: CEBPA (CCAAT enhancer binding protein alpha; minus strand). Cytogenetic location: 19q13.11.
Variant type: single nucleotide variant.
Coding change: c.1000G>A on transcript NM_004364.5 (MANE Select); coding-DNA position 1000, G replaced by A.
Protein change: p.Glu334Lys; replaces glutamic acid 334 with lysine.
Molecular consequence: missense variant.
Genome position (GRCh38, 1-based): chr19:33,301,415, C>T on the plus strand (G>A on the coding strand, the complement: CEBPA is on the minus strand). VCF-style: chr19-33301415-C-T. GRCh37 (hg19) VCF-style: chr19-33792321-C-T.
Other names: c.643G>A, p.Glu215Lys (NM_001285829.2); c.1105G>A, p.Glu369Lys (NM_001287424.2); c.958G>A, p.Glu320Lys (NM_001287435.2); c.1000G>A (NM_004364.3); short protein forms E334K, E369K, E215K, E320K.
Identifiers: ClinVar variation 580178 (VCV000580178.15), dbSNP rs369632687, ClinGen allele CA9363663.

ClinVar aggregate classification (germline): Uncertain significance. Review status: criteria provided, multiple submitters, no conflicts (2 of 4 stars). 3 submissions from 3 submitters: Uncertain significance (2). 1 of the submissions does not count toward it. Last evaluated 2025-09-08.

Conditions:
Acute myeloid leukemia (AML). Also called: Leukemia, acute myeloid, somatic; Leukemia, acute myelogenous, somatic; Acute myeloid leukemia, adult; AML adult; Acute non-lymphocytic leukemia; Acute granulocytic leukemia. Identifiers: Orphanet 519, MedGen C0023467, MeSH D015470, MONDO:0018874, OMIM 601626, HP:0004808. Disease mechanism: Constitutively activated FLT3.
Inborn genetic diseases. Identifiers: MedGen C0950123, MeSH D030342.

Allele frequency attached by ClinVar (database versions not stated): gnomAD exomes below 0.00001; ExAC 0.00001.

Submissions (3):

Labcorp Genetics (formerly Invitae), Labcorp
Classification: Uncertain significance for Acute myeloid leukemia. Last evaluated: 2025-09-08. Review status: criteria provided, single submitter. Criteria: Invitae Variant Classification Sherloc (09022015). Collection method: clinical testing. Allele origin: germline.
Comment: This sequence change replaces glutamic acid, which is acidic and polar, with lysine, which is basic and polar, at codon 334 of the CEBPA protein (p.Glu334Lys). This variant is present in population databases (rs369632687, gnomAD 0.003%). This variant has not been reported in the literature in individuals affected with CEBPA-related conditions. ClinVar contains an entry for this variant (Variation ID: 580178). Invitae Evidence Modeling of protein sequence and biophysical properties (such as structural, functional, and spatial information, amino acid conservation, physicochemical variation, residue mobility, and thermodynamic stability) indicates that this missense variant is expected to disrupt CEBPA protein function with a positive predictive value of 80%. In summary, the available evidence is currently insufficient to determine the role of this variant in disease. Therefore, it has been classified as a Variant of Uncertain Significance.

Ambry Genetics
Classification: Uncertain significance for Inborn genetic diseases. Last evaluated: 2025-03-18. Review status: criteria provided, single submitter. Criteria: Ambry Variant Classification Scheme 2023. Collection method: clinical testing. Allele origin: germline.
Comment: The p.E334K variant (also known as c.1000G>A), located in coding exon 1 of the CEBPA gene, results from a G to A substitution at nucleotide position 1000. The glutamic acid at codon 334 is replaced by lysine, an amino acid with similar properties. This amino acid position is highly conserved in available vertebrate species. In addition, the in silico prediction for this alteration is inconclusive. Based on the available evidence, the clinical significance of this variant remains unclear.

Department of Zoology, Division of Science and Technology, University of Education
Classification: Pathogenic for Acute Myeloid Leukemia. Review status: no assertion criteria provided. Collection method: clinical testing. Allele origin: somatic. Inheritance: Somatic mutation. Affected: yes. Observed: 4 variant alleles. Not counted in ClinVar's aggregate classification.